The following is an entry in ClinVar:

ClinVar aggregate classification (germline): Uncertain significance (1 of 4 stars; one submission).

Submission:

GeneDx
Classification: Uncertain significance. Last evaluated: 2022-11-04. Review status: criteria provided, single submitter. Criteria: GeneDx Variant Classification Process June 2021. Collection method: clinical testing. Allele origin: germline. Affected: yes.
Comment: Not observed at significant frequency in large population cohorts (gnomAD); Missense variant in a gene in which most reported pathogenic variants are truncating/loss of function; Has not been previously published as pathogenic or benign to our knowledge

NM_001267550.2(TTN):c.88990G>A (p.Asp29664Asn)

Genes: TTN (titin; minus strand), TTN-AS1 (TTN antisense RNA 1; plus strand). Cytogenetic location: 2q31.2.
Variant type: single nucleotide variant.
Coding change: c.88990G>A on transcript NM_001267550.2 (MANE Select); coding-DNA position 88990, G replaced by A.
Protein change: p.Asp29664Asn; replaces aspartic acid 29664 with asparagine.
Molecular consequence: missense variant.
Genome position (GRCh38, 1-based): chr2:178,554,121, C>T on the plus strand (G>A on the coding strand, the complement: TTN is on the minus strand). VCF-style: chr2-178554121-C-T. GRCh37 (hg19) VCF-style: chr2-179418848-C-T.
Other names: c.84067G>A, p.Asp28023Asn (NM_001256850.1); c.61795G>A, p.Asp20599Asn (NM_003319.4); c.81286G>A, p.Asp27096Asn (NM_133378.4); c.62170G>A, p.Asp20724Asn (NM_133432.3); c.62371G>A, p.Asp20791Asn (NM_133437.4); short protein forms D20599N, D20724N, D20791N, D27096N, D28023N, D29664N.
Identifiers: ClinVar variation 2501353 (VCV002501353.1), dbSNP rs2469355555, ClinGen allele CA349521781.
Genomic context (GRCh38, chr2:178,554,121, plus strand): 5'-GTACTTTAAACCATCCTAGGCTCTTCTTGTCTCGTTTTTCAAGGAAATAGCCACTTATAT[C>T]ACTACCGCCATCTGCAATTGGCCTGCTCCATACAACAGTCATCGAATTCTTGGTAATCTT-3'
Protein context (NP_001254479.2, residues 29654-29674): WSRPIADGGS[Asp29664Asn]ISGYFLEKRD